The following is an entry in ClinVar:

NM_001302371.3(NBPF10):c.30T>C (p.Ser10=)

Gene: NBPF10 (NBPF member 10; minus strand). Cytogenetic location: 1q21.1.
Variant type: single nucleotide variant.
Coding change: c.30T>C on transcript NM_001302371.3 (MANE Select); coding-DNA position 30, T replaced by C.
Protein change: p.Ser10=; no amino-acid change (serine 10 retained).
Molecular consequence: synonymous variant.
Genome position (GRCh38, 1-based): chr1:146,144,740, A>G on the plus strand (T>C on the coding strand, the complement: NBPF10 is on the minus strand). VCF-style: chr1-146144740-A-G. GRCh37 (hg19) VCF-style: chr1-145293435-T-C.
Other names: c.30T>C, p.Ser10= (NM_001039703.6).
Identifiers: ClinVar variation 2639080 (VCV002639080.24), dbSNP rs60398273, ClinGen allele CA1050667.

ClinVar aggregate classification (germline): Likely benign (1 of 4 stars; one submission).

Allele frequency attached by ClinVar (database versions not stated): ExAC 0.00014; gnomAD exomes 0.00015.

Submission:

CeGaT Center for Human Genetics Tuebingen
Classification: Likely benign. Last evaluated: 2023-09-01. Review status: criteria provided, single submitter. Criteria: CeGaT Center For Human Genetics Tuebingen Variant Classification Criteria Version 2. Collection method: clinical testing. Allele origin: germline. Affected: yes. Observed: 1 variant allele.
Comment: NBPF10: BP4, BP7